The following is an entry in ClinVar:

NM_005529.7(HSPG2):c.9800G>A (p.Arg3267Gln)

Gene: HSPG2 (heparan sulfate proteoglycan 2; minus strand). Cytogenetic location: 1p36.12.
Variant type: single nucleotide variant.
Coding change: c.9800G>A on transcript NM_005529.7 (MANE Select); coding-DNA position 9800, G replaced by A.
Protein change: p.Arg3267Gln; replaces arginine 3267 with glutamine.
Molecular consequence: missense variant.
Genome position (GRCh38, 1-based): chr1:21,839,460, C>T on the plus strand (G>A on the coding strand, the complement: HSPG2 is on the minus strand). VCF-style: chr1-21839460-C-T. GRCh37 (hg19) VCF-style: chr1-22165953-C-T.
Other names: c.9800G>A (NM_005529.5); c.9803G>A, p.Arg3268Gln (NM_001291860.2); short protein forms R3267Q, R3268Q.
Identifiers: ClinVar variation 2965906 (VCV002965906.4), dbSNP rs752100656, ClinGen allele CA670328.

ClinVar aggregate classification (germline): Uncertain significance. Review status: criteria provided, multiple submitters, no conflicts (2 of 4 stars). 3 submissions from 3 submitters: Uncertain significance (3). Last evaluated 2026-03-16.

Conditions:
Inborn genetic diseases. Identifiers: MedGen C0950123, MeSH D030342.

Allele frequency attached by ClinVar (database versions not stated): gnomAD exomes below 0.00001; gnomAD 0.00001; TOPMed below 0.00001; ExAC 0.00002.
gnomAD v4.1: 5 of 1,613,916 alleles (0.00031%); highest among the groups gnomAD compares: Admixed American, 0.0017%; no homozygotes.

Submissions (3):

Dasa
Classification: Uncertain significance. Last evaluated: 2026-03-16. Review status: criteria provided, single submitter. Criteria: DASA Assertion Criteria. Collection method: clinical testing. Allele origin: germline.
Comment: NM_005529.7(HSPG2):c.9800G>A (p.Arg3267Gln) is a missense variant that results in the substitution of arginine with glutamine. This variant is rare in population databases. Computational prediction algorithms are consistent with a benign effect. The currently available literature and clinical evidence are not sufficient to establish a definitive association between this variant and the reported condition. Therefore, this variant is classified as a variant of uncertain significance.

Ambry Genetics
Classification: Uncertain significance for Inborn genetic diseases. Last evaluated: 2025-09-21. Review status: criteria provided, single submitter. Criteria: Ambry Variant Classification Scheme 2023. Collection method: clinical testing. Allele origin: germline.

Labcorp Genetics (formerly Invitae), Labcorp
Classification: Uncertain significance. Last evaluated: 2023-11-07. Review status: criteria provided, single submitter. Criteria: Invitae Variant Classification Sherloc (09022015). Collection method: clinical testing. Allele origin: germline.
Comment: This sequence change replaces arginine, which is basic and polar, with glutamine, which is neutral and polar, at codon 3267 of the HSPG2 protein (p.Arg3267Gln). This variant is present in population databases (rs752100656, gnomAD 0.004%). This variant has not been reported in the literature in individuals affected with HSPG2-related conditions. Algorithms developed to predict the effect of missense changes on protein structure and function output the following: SIFT: "Not Available"; PolyPhen-2: "Benign"; Align-GVGD: "Not Available". The glutamine amino acid residue is found in multiple mammalian species, which suggests that this missense change does not adversely affect protein function. In summary, the available evidence is currently insufficient to determine the role of this variant in disease. Therefore, it has been classified as a Variant of Uncertain Significance.